The following is an entry in ClinVar:

NM_001330260.2(SCN8A):c.2826_2827dup (p.Asp943fs)

Gene: SCN8A (sodium voltage-gated channel alpha subunit 8; plus strand). Cytogenetic location: 12q13.13.
Variant type: Duplication.
Coding change: c.2826_2827dup on transcript NM_001330260.2 (MANE Select); coding-DNA positions 2826 to 2827, 2 bases duplicated (GG; older notation c.2826_2827dupGG).
Protein change: p.Asp943fs; shifts the reading frame from aspartic acid 943.
Molecular consequence: frameshift variant.
Genome position (GRCh38, 1-based): chr12:51,765,952-51,765,953, GG duplicated; duplicating any 2 consecutive bases within chr12:51,765,951-51,765,953 gives the same sequence; the c. name uses the placement nearest the transcript's 3' end. VCF-style (leftmost placement, unchanged base first): chr12-51765950-T-TGG. GRCh37 (hg19) VCF-style: chr12-52159734-T-TGG.
Other names: c.2826_2827dup, p.Asp943fs (NM_001177984.3, NM_001369788.1, NM_014191.4); short protein forms D943fs.
Identifiers: ClinVar variation 4711088 (VCV004711088.1).

ClinVar aggregate classification (germline): Pathogenic (1 of 4 stars; one submission).

Conditions:
Early-infantile DEE. Also called: Early infantile epileptic encephalopathy with suppression bursts; Early infantile epileptic encephalopathy; Ohtahara syndrome. Identifiers: Orphanet 1934, MedGen C0393706, MONDO:0800491.

Submission:

Labcorp Genetics (formerly Invitae), Labcorp
Classification: Pathogenic for Early-infantile DEE. Last evaluated: 2025-04-28. Review status: criteria provided, single submitter. Criteria: Invitae Variant Classification Sherloc (09022015). Collection method: clinical testing. Allele origin: germline.
Comment: This sequence change creates a premature translational stop signal (p.Asp943Glyfs*17) in the SCN8A gene. It is expected to result in an absent or disrupted protein product. Loss-of-function variants in SCN8A are known to be pathogenic (PMID: 19254928, 32651551). This variant is not present in population databases (gnomAD no frequency). This variant has not been reported in the literature in individuals affected with SCN8A-related conditions. Algorithms developed to predict the effect of sequence changes on RNA splicing suggest that this variant may disrupt the consensus splice site. For these reasons, this variant has been classified as Pathogenic.

Literature cited by the submitters: PubMed 19254928; PubMed 32651551.